The following is an entry in ClinVar:

NM_001267550.2(TTN):c.1800G>T (p.Lys600Asn)

Gene: TTN (titin; minus strand). Cytogenetic location: 2q31.2.
Variant type: single nucleotide variant.
Coding change: c.1800G>T on transcript NM_001267550.2 (MANE Select); coding-DNA position 1800, G replaced by T.
Protein change: p.Lys600Asn; replaces lysine 600 with asparagine.
Molecular consequence: missense variant. On other transcripts: intron variant (3).
Genome position (GRCh38, 1-based): chr2:178,790,708, C>A on the plus strand (G>T on the coding strand, the complement: TTN is on the minus strand). VCF-style: chr2-178790708-C-A. GRCh37 (hg19) VCF-style: chr2-179655435-C-A.
Other names: c.1800G>T, p.Lys600Asn (NM_001256850.1, NM_133378.4, NM_133379.5); c.1663-593G>T (NM_003319.4, NM_133437.4, NM_133432.3); short protein forms K600N.
Identifiers: ClinVar variation 4786562 (VCV004786562.1).

ClinVar aggregate classification (germline): Uncertain significance (1 of 4 stars; one submission).

Conditions:
Autosomal recessive limb-girdle muscular dystrophy type 2J (LGMDR10). Also called: Limb-girdle muscular dystrophy, type 2J; MUSCULAR DYSTROPHY, LIMB-GIRDLE, AUTOSOMAL RECESSIVE 10. Identifiers: Orphanet 140922, MedGen C1837342, MONDO:0012127, OMIM 608807.
Dilated cardiomyopathy 1G (CMD1G). Identifiers: Orphanet 154, MedGen C1858763, MONDO:0011400, OMIM 604145.

Submission:

Labcorp Genetics (formerly Invitae), Labcorp
Classification: Uncertain significance for Dilated cardiomyopathy 1G; Autosomal recessive limb-girdle muscular dystrophy type 2J. Last evaluated: 2025-10-29. Review status: criteria provided, single submitter. Criteria: Invitae Variant Classification Sherloc (09022015). Collection method: clinical testing. Allele origin: germline.
Comment: This sequence change replaces lysine, which is basic and polar, with asparagine, which is neutral and polar, at codon 600 of the TTN protein (p.Lys600Asn). This variant also falls at the last nucleotide of exon 11, which is part of the consensus splice site for this exon. This variant is not present in population databases (gnomAD no frequency). This variant has not been reported in the literature in individuals affected with TTN-related conditions. Experimental studies and prediction algorithms are not available or were not evaluated, and the functional significance of this variant is currently unknown. Variants that disrupt the consensus splice site are a relatively common cause of aberrant splicing (PMID: 17576681, 9536098). Algorithms developed to predict the effect of sequence changes on RNA splicing suggest that this variant may disrupt the consensus splice site. This variant is located in the Z band of TTN (PMID: 25589632). Non-truncating variants in this region may be clinically relevant, but have not been definitively shown to cause cardiomyopathy or neuromuscular disease (PMID: 27493940, 32778822). In summary, the available evidence is currently insufficient to determine the role of this variant in disease. Therefore, it has been classified as a Variant of Uncertain Significance.

Literature cited by the submitters: PubMed 17576681; PubMed 9536098; PubMed 25589632; PubMed 27493940; PubMed 32778822.